The following is an entry in ClinVar:

ClinVar aggregate classification (germline): Uncertain significance (1 of 4 stars; one submission).

Conditions:
Hereditary cancer-predisposing syndrome. Also called: Neoplastic Syndromes, Hereditary; Tumor predisposition; Hereditary Cancer Syndrome; Hereditary neoplastic syndrome. Identifiers: Orphanet 140162, MedGen C0027672, MeSH D009386, MONDO:0015356.

Submission:

Ambry Genetics
Classification: Uncertain significance for Hereditary cancer-predisposing syndrome. Last evaluated: 2026-03-22. Review status: criteria provided, single submitter. Criteria: Ambry Variant Classification Scheme 2023. Collection method: clinical testing. Allele origin: germline.
Comment: The p.F498V variant (also known as c.1492T>G), located in coding exon 14 of the NF2 gene, results from a T to G substitution at nucleotide position 1492. The phenylalanine at codon 498 is replaced by valine, an amino acid with highly similar properties. This amino acid position is conserved. In addition, the in silico prediction for this alteration is inconclusive. Based on the available evidence, the clinical significance of this variant remains unclear.

NM_000268.4(NF2):c.1492T>G (p.Phe498Val)

Gene: NF2 (NF2, moesin-ezrin-radixin like (MERLIN) tumor suppressor; plus strand). Cytogenetic location: 22q12.2.
Variant type: single nucleotide variant.
Coding change: c.1492T>G on transcript NM_000268.4 (MANE Select); coding-DNA position 1492, T replaced by G.
Protein change: p.Phe498Val; replaces phenylalanine 498 with valine.
Molecular consequence: missense variant. On other transcripts: non-coding transcript variant (1), intron variant (1).
Genome position (GRCh38, 1-based): chr22:29,678,241, T>G. VCF-style: chr22-29678241-T-G. GRCh37 (hg19) VCF-style: chr22-30074230-T-G.
Other names: c.1378T>G, p.Phe460Val (NM_001407053.1, NM_001407056.1); c.1369T>G, p.Phe457Val (NM_001407054.1, NM_001407058.1, NM_181829.3); c.448-16511T>G (NM_181833.3); c.1366T>G, p.Phe456Val (NM_001407055.1, NM_181828.3); c.1357T>G, p.Phe453Val (NM_001407057.1, NM_001407059.1); c.1492T>G, p.Phe498Val (NM_001407060.1, NM_001407066.1, NM_016418.5 and 2 more transcripts); c.1234T>G, p.Phe412Val (NM_001407062.1); c.1243T>G, p.Phe415Val (NM_001407063.1, NM_001407064.1, NM_181830.3 and 1 more transcripts); and 2 more; short protein forms F320V, F412V, F415V, F421V, F453V, F456V, F457V, F460V.
Identifiers: ClinVar variation 4861008 (VCV004861008.1).